The following is an entry in ClinVar:

ClinVar aggregate classification (germline): Uncertain significance (1 of 4 stars; one submission).

Conditions:
Cardiovascular phenotype. Identifiers: MedGen CN230736.

Submission:

Ambry Genetics
Classification: Uncertain significance for Cardiovascular phenotype. Last evaluated: 2018-12-31. Review status: criteria provided, single submitter. Criteria: Ambry Variant Classification Scheme 2023. Collection method: clinical testing. Allele origin: germline.
Comment: The p.N1321K variant (also known as c.3963T>G), located in coding exon 29 of the DMD gene, results from a T to G substitution at nucleotide position 3963. The asparagine at codon 1321 is replaced by lysine, an amino acid with similar properties. This amino acid position is highly conserved in available vertebrate species. In addition, this alteration is predicted to be tolerated by in silico analysis. Since supporting evidence is limited at this time, the clinical significance of this alteration remains unclear.

NM_004006.3(DMD):c.3963T>G (p.Asn1321Lys)

Gene: DMD (dystrophin; minus strand). Cytogenetic location: Xp21.1.
Variant type: single nucleotide variant.
Coding change: c.3963T>G on transcript NM_004006.3 (MANE Select); coding-DNA position 3963, T replaced by G.
Protein change: p.Asn1321Lys; replaces asparagine 1321 with lysine.
Molecular consequence: missense variant.
Genome position (GRCh38, 1-based): chrX:32,438,349, A>C on the plus strand (T>G on the coding strand, the complement: DMD is on the minus strand). VCF-style: chrX-32438349-A-C. GRCh37 (hg19) VCF-style: chrX-32456466-A-C.
Other names: c.3939T>G, p.Asn1313Lys (NM_000109.4); c.3951T>G, p.Asn1317Lys (NM_004009.3); c.3594T>G, p.Asn1198Lys (NM_004010.3); short protein forms N1313K, N1321K, N1198K, N1317K.
Identifiers: ClinVar variation 1736539 (VCV001736539.2), dbSNP rs2524073892, ClinGen allele CA412669429.
Genomic context (GRCh38, chrX:32,438,349, plus strand): 5'-ATTGATTAGCTCATCCATGACTCCGCCATCTGTTAGGGTCTGTGCCAATATGCGAATCTG[A>C]TTTGGGTTATCCTCTGAATGTCGCATCAAATTTTCAAGTGACTGAAACACATTTGCAATA-3'
Protein context (NP_003997.2, residues 1311-1331): NLMRHSEDNP[Asn1321Lys]QIRILAQTLT